The following is an entry in ClinVar:

NM_004341.5(CAD):c.1107A>G (p.Thr369=)

Gene: CAD (carbamoyl-phosphate synthetase 2, aspartate transcarbamylase, and dihydroorotase; plus strand). Cytogenetic location: 2p23.3.
Variant type: single nucleotide variant.
Coding change: c.1107A>G on transcript NM_004341.5 (MANE Select); coding-DNA position 1107, A replaced by G.
Protein change: p.Thr369=; no amino-acid change (threonine 369 retained).
Molecular consequence: synonymous variant.
Genome position (GRCh38, 1-based): chr2:27,224,028, A>G. VCF-style: chr2-27224028-A-G. GRCh37 (hg19) VCF-style: chr2-27446896-A-G.
Other names: c.1107A>G, p.Thr369= (NM_001306079.2).
Identifiers: ClinVar variation 1471853 (VCV001471853.5), dbSNP rs752721105, ClinGen allele CA1572601.
Genomic context (GRCh38, chr2:27,224,028, plus strand): 5'-TTTCGATATCTTTCTGGAAACTGTGAAAGAGGCCACAGCTGGGAACCCTGGGGGCCAGAC[A>G]GGTAAGATCCTGAGTAGAACTGGGTTGTGGACCTAAGAACAGGGTTGGCTCCAGGATGGG-3'
Protein context (NP_004332.2, residues 359-379): EATAGNPGGQ[Thr369=]VRERLTERLC

ClinVar aggregate classification (germline): Uncertain significance (1 of 4 stars; one submission).

Allele frequency attached by ClinVar (database versions not stated): TOPMed below 0.00001; ExAC 0.00001; gnomAD 0.00001; gnomAD exomes 0.00001 and 0.00002.
gnomAD v4.1: 27 of 1,604,910 alleles (0.0017%); highest among the groups gnomAD compares: Non-Finnish European, 0.0022%; no homozygotes.

Submission:

Labcorp Genetics (formerly Invitae), Labcorp
Classification: Uncertain significance. Last evaluated: 2021-08-13. Review status: criteria provided, single submitter. Criteria: Invitae Variant Classification Sherloc (09022015). Collection method: clinical testing. Allele origin: germline.
Comment: This sequence change affects codon 369 of the CAD mRNA. It is a 'silent' change, meaning that it does not change the encoded amino acid sequence of the CAD protein. It affects a nucleotide within the consensus splice site of the intron. This variant is present in population databases (rs752721105, ExAC 0.009%). This variant has not been reported in the literature in individuals affected with CAD-related conditions. Algorithms developed to predict the effect of sequence changes on RNA splicing suggest that this variant is not likely to affect RNA splicing. In summary, the available evidence is currently insufficient to determine the role of this variant in disease. Therefore, it has been classified as a Variant of Uncertain Significance.